The following is an entry in ClinVar:

NM_001009944.3(PKD1):c.11744C>A (p.Ala3915Asp)

Gene: PKD1 (polycystin 1, transient receptor potential channel interacting; minus strand). Cytogenetic location: 16p13.3.
Variant type: single nucleotide variant.
Coding change: c.11744C>A on transcript NM_001009944.3 (MANE Select); coding-DNA position 11744, C replaced by A.
Protein change: p.Ala3915Asp; replaces alanine 3915 with aspartic acid.
Molecular consequence: missense variant.
Genome position (GRCh38, 1-based): chr16:2,091,143, G>T on the plus strand (C>A on the coding strand, the complement: PKD1 is on the minus strand). VCF-style: chr16-2091143-G-T. GRCh37 (hg19) VCF-style: chr16-2141144-G-T.
Other names: c.11741C>A, p.Ala3914Asp (NM_000296.4); short protein forms A3914D, A3915D.
Identifiers: ClinVar variation 1303482 (VCV001303482.3), dbSNP rs778893944, ClinGen allele CA394330204.

ClinVar aggregate classification (germline): Uncertain significance (1 of 4 stars; one submission).

Submission:

GeneDx
Classification: Uncertain significance. Last evaluated: 2024-05-14. Review status: criteria provided, single submitter. Criteria: GeneDx Variant Classification Process June 2021. Collection method: clinical testing. Allele origin: germline. Affected: yes.
Comment: Not observed at significant frequency in large population cohorts (gnomAD); In silico analysis indicates that this missense variant does not alter protein structure/function; This variant is associated with the following publications: (PMID: 27499327, 26453610)